The following is an entry in ClinVar:

ClinVar aggregate classification (germline): Uncertain significance (1 of 4 stars; one submission).

Conditions:
Hereditary cancer-predisposing syndrome. Also called: Neoplastic Syndromes, Hereditary; Tumor predisposition; Hereditary Cancer Syndrome; Hereditary neoplastic syndrome. Identifiers: Orphanet 140162, MedGen C0027672, MeSH D009386, MONDO:0015356.

Submission:

Ambry Genetics
Classification: Uncertain significance for Hereditary cancer-predisposing syndrome. Last evaluated: 2026-04-19. Review status: criteria provided, single submitter. Criteria: Ambry Variant Classification Scheme 2023. Collection method: clinical testing. Allele origin: germline.
Comment: The p.I390M variant (also known as c.1170T>G), located in coding exon 7 of the MSH3 gene, results from a T to G substitution at nucleotide position 1170. The isoleucine at codon 390 is replaced by methionine, an amino acid with highly similar properties. This amino acid position is conserved. In addition, the in silico prediction for this alteration is inconclusive. Based on the available evidence, the clinical significance of this variant remains unclear.

NM_002439.5(MSH3):c.1170T>G (p.Ile390Met)

Gene: MSH3 (mutS homolog 3; plus strand). Cytogenetic location: 5q14.1.
Variant type: single nucleotide variant.
Coding change: c.1170T>G on transcript NM_002439.5 (MANE Select); coding-DNA position 1170, T replaced by G.
Protein change: p.Ile390Met; replaces isoleucine 390 with methionine.
Molecular consequence: missense variant.
Genome position (GRCh38, 1-based): chr5:80,675,125, T>G. VCF-style: chr5-80675125-T-G. GRCh37 (hg19) VCF-style: chr5-79970944-T-G.
Other names: short protein forms I390M.
Identifiers: ClinVar variation 4860332 (VCV004860332.1).